The following is an entry in ClinVar:

ClinVar aggregate classification (germline): Likely pathogenic (0 of 4 stars; one submission).

Conditions:
Galactosylceramide beta-galactosidase deficiency. Also called: GALACTOCEREBROSIDASE DEFICIENCY; GALC DEFICIENCY; GLOBOID CELL LEUKOENCEPHALOPATHY; Leukodystrophy, Globoid Cell; Krabbe Disease. Identifiers: Orphanet 487, MedGen C0023521, MONDO:0009499, OMIM 245200.

Submission:

Hong-Tao Li Lab, Institute of Brain Science and Brain-inspired Research, Shandong First Medical University & Shandong Academy of Medical Sciences China
Classification: Likely pathogenic for Galactosylceramide beta-galactosidase deficiency. Review status: no assertion criteria provided. Collection method: research. Allele origin: germline. Inheritance: Autosomal recessive inheritance. Affected: yes. Observed: 1 variant allele, 1 homozygote.
Comment: Observed in affected individuals from a Pakistani neurodevelopmental-disorder research cohort of 263 individuals. Classification assigned using the ACMG/AMP framework.

NM_000153.4(GALC):c.1252-3_1262del

Gene: GALC (galactosylceramidase; minus strand). Cytogenetic location: 14q31.3.
Variant type: Deletion.
Coding change: c.1252-3_1262del on transcript NM_000153.4 (MANE Select); 3 bases into the intron before coding-DNA position 1252 through coding-DNA position 1262, 14 bases deleted (CAGAGTGAAATACC).
Molecular consequence: splice acceptor variant.
Genome position (GRCh38, 1-based): chr14:87,949,921-87,949,934, GGTATTTCACTCTG deleted on the plus strand (CAGAGTGAAATACC on the coding strand, the reverse complement: GALC is on the minus strand). VCF-style (leftmost placement, unchanged base first): chr14-87949920-TGGTATTTCACTCTG-T. GRCh37 (hg19) VCF-style: chr14-88416264-TGGTATTTCACTCTG-T.
Other names: c.619-3_629del (NM_001424076.1, NM_001424077.1); c.1174-3_1184del (NM_001201402.2); c.1183-3_1193del (NM_001201401.2); c.904-3_914del (NM_001424075.1, NM_001424074.1); c.1084-3_1094del (NM_001424072.1, NM_001424073.1, NM_001424071.1).
Identifiers: ClinVar variation 4884825 (VCV004884825.1).